The following is an entry in ClinVar:

ClinVar aggregate classification (germline): Pathogenic (1 of 4 stars; one submission).

Conditions:
Glycogen storage disease type III (GSD3). Also called: FORBES DISEASE; Cori disease. Identifiers: Orphanet 366, MedGen C0017922, MONDO:0009291, OMIM 232400.

Submission:

Myriad Genetics, Inc.
Classification: Pathogenic for Glycogen storage disease type III. Last evaluated: 2023-08-19. Review status: criteria provided, single submitter. Criteria: Myriad Autosomal Dominant, Autosomal Recessive and X-Linked Classification Criteria (2023). Collection method: clinical testing. Allele origin: unknown.
Comment: NM_000642.2(AGL):c.2544delC(F848Lfs*20) is expected to be pathogenic in the context of glycogen storage disease type III. This variant is predicted to lead to an abnormal or absent protein product due to the creation of a premature termination codon in AGL, a gene where loss-of-function variants are known to be pathogenic. Please note: this variant was assessed in the context of healthy population screening.

NM_000642.3(AGL):c.2544del (p.Phe848fs)

Gene: AGL (amylo-alpha-1,6-glucosidase and 4-alpha-glucanotransferase; plus strand). Cytogenetic location: 1p21.2.
Variant type: Deletion.
Coding change: c.2544del on transcript NM_000642.3 (MANE Select); coding-DNA position 2544, one base deleted (C; older notation c.2544delC).
Protein change: p.Phe848fs; shifts the reading frame from phenylalanine 848.
Molecular consequence: frameshift variant.
Genome position (GRCh38, 1-based): chr1:99,884,449, C deleted. VCF-style (leftmost placement, unchanged base first): chr1-99884448-TC-T. GRCh37 (hg19) VCF-style: chr1-100350004-TC-T.
Other names: c.2544del, p.Phe848fs (NM_000028.3, NM_000643.3, NM_000644.3 and 2 more transcripts); c.2496del, p.Phe832fs (NM_000646.3); c.2343del, p.Phe781fs (NM_001425327.1); c.2340del, p.Phe780fs (NM_001425328.1, NM_001425329.1); c.2166del, p.Phe722fs (NM_001425332.1); short protein forms F722fs, F780fs, F781fs, F832fs, F848fs.
Identifiers: ClinVar variation 5011398 (VCV005011398.1).